The following is an entry in ClinVar:

ClinVar aggregate classification (germline): Uncertain significance (1 of 4 stars; one submission).

Conditions:
Familial adenomatous polyposis 1 (FAP1). Also called: FAMILIAL ADENOMATOUS POLYPOSIS 1, ATTENUATED; POLYPOSIS, ADENOMATOUS INTESTINAL. Identifiers: MedGen C2713442, MONDO:0021056, OMIM 175100. Disease mechanism: loss of function.

Submission:

Labcorp Genetics (formerly Invitae), Labcorp
Classification: Uncertain significance for Familial adenomatous polyposis 1. Last evaluated: 2025-06-27. Review status: criteria provided, single submitter. Criteria: Invitae Variant Classification Sherloc (09022015). Collection method: clinical testing. Allele origin: germline.
Comment: This variant occurs in a non-coding region of the APC gene. It does not change the encoded amino acid sequence of the APC protein. This variant is not present in population databases (gnomAD no frequency). This variant has not been reported in the literature in individuals affected with APC-related conditions. ClinVar contains an entry for this variant (Variation ID: 645482). Experimental studies and prediction algorithms are not available or were not evaluated, and the functional significance of this variant is currently unknown. In summary, the available evidence is currently insufficient to determine the role of this variant in disease. Therefore, it has been classified as a Variant of Uncertain Significance.

NC_000005.10:g.112707332G>A

Gene: APC (APC regulator of Wnt signaling pathway; plus strand). Cytogenetic location: 5q22.2.
Variant type: single nucleotide variant.
Genome position: GRCh38 VCF-style: chr5-112707332-G-A. GRCh37 (hg19) VCF-style: chr5-112043029-G-A.
Identifiers: ClinVar variation 645482 (VCV000645482.9), dbSNP rs1461935725, ClinGen allele CA915943562.